The following is an entry in ClinVar:

NM_000257.4(MYH7):c.3305G>C (p.Ser1102Thr)

Gene: MYH7 (myosin heavy chain 7; minus strand). Cytogenetic location: 14q11.2.
Variant type: single nucleotide variant.
Coding change: c.3305G>C on transcript NM_000257.4 (MANE Select); coding-DNA position 3305, G replaced by C.
Protein change: p.Ser1102Thr; replaces serine 1102 with threonine.
Molecular consequence: missense variant.
Genome position (GRCh38, 1-based): chr14:23,420,989, C>G on the plus strand (G>C on the coding strand, the complement: MYH7 is on the minus strand). VCF-style: chr14-23420989-C-G. GRCh37 (hg19) VCF-style: chr14-23890198-C-G.
Other names: c.3305G>C, p.Ser1102Thr (NM_001407004.1); short protein forms S1102T.
Identifiers: ClinVar variation 1730021 (VCV001730021.2), dbSNP rs2502267986, ClinGen allele CA389044394.
Genomic context (GRCh38, chr14:23,420,989, plus strand): 5'-AGCATCCCGCGTGGGTGTCCAGACCTCACCTGAAGCTCCTTGAGCTTCTTCTGCAGCTGG[C>G]TGCCGAGGGCCTGTTCATCCTCAATCCTTGCGTTGAGAGCATTCAGCTCAAAGTCTTTTC-3'
Protein context (NP_000248.2, residues 1092-1112): ARIEDEQALG[Ser1102Thr]QLQKKLKELQ

ClinVar aggregate classification (germline): Uncertain significance (1 of 4 stars; one submission).

Conditions:
Cardiovascular phenotype. Identifiers: MedGen CN230736.

Submission:

Ambry Genetics
Classification: Uncertain significance for Cardiovascular phenotype. Last evaluated: 2021-12-21. Review status: criteria provided, single submitter. Criteria: Ambry Variant Classification Scheme 2023. Collection method: clinical testing. Allele origin: germline.
Comment: The p.S1102T variant (also known as c.3305G>C), located in coding exon 24 of the MYH7 gene, results from a G to C substitution at nucleotide position 3305. The serine at codon 1102 is replaced by threonine, an amino acid with similar properties. This amino acid position is not well conserved in available vertebrate species. In addition, this alteration is predicted to be tolerated by in silico analysis. Since supporting evidence is limited at this time, the clinical significance of this alteration remains unclear.